The following is an entry in ClinVar:

ClinVar aggregate classification (germline): Likely pathogenic (1 of 4 stars; one submission).

Submission:

Dasa
Classification: Likely pathogenic. Last evaluated: 2026-04-27. Review status: criteria provided, single submitter. Criteria: DASA Assertion Criteria. Collection method: clinical testing. Allele origin: germline.
Comment: NM_014795.4(ZEB2):c.943T>A (p.Cys315Ser) is a missense variant that results in the substitution of cysteine with serine. The affected residue or protein region has prior evidence supporting clinical relevance. This variant is rare in population databases. Based on the currently available evidence, this variant is classified as likely pathogenic.

NM_014795.4(ZEB2):c.943T>A (p.Cys315Ser)

Gene: ZEB2 (zinc finger E-box binding homeobox 2; minus strand). Cytogenetic location: 2q22.3.
Variant type: single nucleotide variant.
Coding change: c.943T>A on transcript NM_014795.4 (MANE Select); coding-DNA position 943, T replaced by A.
Protein change: p.Cys315Ser; replaces cysteine 315 with serine.
Molecular consequence: missense variant.
Genome position (GRCh38, 1-based): chr2:144,400,244, A>T on the plus strand (T>A on the coding strand, the complement: ZEB2 is on the minus strand). VCF-style: chr2-144400244-A-T. GRCh37 (hg19) VCF-style: chr2-145157811-A-T.
Other names: c.871T>A, p.Cys291Ser (NM_001171653.2); short protein forms C291S, C315S.
Identifiers: ClinVar variation 4882415 (VCV004882415.2).